The following is an entry in ClinVar:

ClinVar aggregate classification (germline): Uncertain significance. Review status: criteria provided, multiple submitters, no conflicts (2 of 4 stars). 2 submissions from 2 submitters: Uncertain significance (2). Last evaluated 2026-01-21.

Conditions:
Bainbridge-Ropers syndrome. Also called: Severe feeding difficulties-failure to thrive-microcephaly due to ASXL3 deficiency syndrome. Identifiers: Orphanet 352577, MedGen C4750837, MONDO:0014205, OMIM 615485.

gnomAD v4.1: 1 of 1,613,952 alleles (0.000062%); no homozygotes.

Submissions (2):

Dasa
Classification: Uncertain significance. Last evaluated: 2026-01-21. Review status: criteria provided, single submitter. Criteria: DASA Assertion Criteria. Collection method: clinical testing. Allele origin: germline.
Comment: NM_030632.3(ASXL3):c.1348A>T (p.Ile450Phe) is a missense variant that results in the substitution of isoleucine with phenylalanine. The variant is present at low frequency in population datasets. Based on the available data, this variant is classified as variant of uncertain significance.

Laboratorio de Genetica e Diagnostico Molecular, Hospital Israelita Albert Einstein
Classification: Uncertain significance for Bainbridge-Ropers syndrome. Last evaluated: 2022-08-19. Review status: criteria provided, single submitter. Criteria: ACMG Guidelines, 2015. Collection method: clinical testing. Allele origin: germline. Affected: yes.
Comment: ACMG classification criteria: PM2 moderated, BP4 supporting

NM_030632.3(ASXL3):c.1348A>T (p.Ile450Phe)

Gene: ASXL3 (ASXL transcriptional regulator 3; plus strand). Cytogenetic location: 18q12.1.
Variant type: single nucleotide variant.
Coding change: c.1348A>T on transcript NM_030632.3 (MANE Select); coding-DNA position 1348, A replaced by T.
Protein change: p.Ile450Phe; replaces isoleucine 450 with phenylalanine.
Molecular consequence: missense variant.
Genome position (GRCh38, 1-based): chr18:33,738,752, A>T. VCF-style: chr18-33738752-A-T. GRCh37 (hg19) VCF-style: chr18-31318716-A-T.
Other names: short protein forms I450F.
Identifiers: ClinVar variation 2431626 (VCV002431626.3), dbSNP rs2510916351, ClinGen allele CA402175110.
Genomic context (GRCh38, chr18:33,738,752, plus strand): 5'-CCTAAAGATATAATGGCAGAATTGGAGTCAGAGGATATCTTGATCCCTGAAGAATCTGTA[A>T]TTCAGGAGGAAATTGCAGAAGAGGTAGAGACTAGTATCTGTGAATGCCAGGATGAAAATC-3'
Protein context (NP_085135.1, residues 440-460): EDILIPEESV[Ile450Phe]QEEIAEEVET